The following is an entry in ClinVar:

ClinVar aggregate classification (germline): Conflicting classifications of pathogenicity. Review status: criteria provided, conflicting classifications (1 of 4 stars). 3 submissions from 3 submitters: Uncertain significance (1); Likely benign (2). Last evaluated 2026-02-22.

Conditions:
Hereditary cancer-predisposing syndrome. Also called: Neoplastic Syndromes, Hereditary; Tumor predisposition; Hereditary neoplastic syndrome; Hereditary Cancer Syndrome. Identifiers: Orphanet 140162, MedGen C0027672, MeSH D009386, MONDO:0015356.
Hereditary breast ovarian cancer syndrome. Also called: Breast and ovarian cancer; BRCA1- and BRCA2-Associated Hereditary Breast and Ovarian Cancer; Hereditary breast and ovarian cancer; Hereditary breast and/or ovarian cancer syndrome; Hereditary breast and ovarian cancer syndrome; Hereditary breast and ovarian cancer syndrome (HBOC). Identifiers: Orphanet 145, MedGen C0677776, MeSH D061325, MONDO:0003582. Disease mechanism: loss of function.

Submissions (3):

Ambry Genetics
Classification: Likely benign for Hereditary cancer-predisposing syndrome. Last evaluated: 2026-02-22. Review status: criteria provided, single submitter. Criteria: Ambry Variant Classification Scheme 2023. Collection method: clinical testing. Allele origin: germline.

University of Washington Department of Laboratory Medicine, University of Washington
Classification: Likely benign for Hereditary cancer-predisposing syndrome. Last evaluated: 2023-03-23. Review status: criteria provided, single submitter. Criteria: Dines et al. (Genet Med. 2020). Collection method: curation. Allele origin: germline.
Comment: Missense variant in a coldspot region where missense variants are very unlikely to be pathogenic (PMID:31911673).

BRCA2 exon 11 coldspot. Reclassification based on statistical prior probability.

Labcorp Genetics (formerly Invitae), Labcorp
Classification: Uncertain significance for Hereditary breast ovarian cancer syndrome. Last evaluated: 2021-02-18. Review status: criteria provided, single submitter. Criteria: Invitae Variant Classification Sherloc (09022015). Collection method: clinical testing. Allele origin: germline.
Comment: In summary, this variant is a novel missense change that is not predicted to affect protein function. There is no indication that it causes disease, but the available evidence is currently insufficient to prove that conclusively. Therefore, it has been classified as a Variant of Uncertain Significance. Algorithms developed to predict the effect of missense changes on protein structure and function output the following: SIFT: "Tolerated"; PolyPhen-2: "Benign"; Align-GVGD: "Class C0". The valine amino acid residue is found in multiple mammalian species, suggesting that this missense change does not adversely affect protein function. These predictions have not been confirmed by published functional studies. This variant is not present in population databases (ExAC no frequency) and has not been reported in the literature in individuals with a BRCA2-related disease. This sequence change replaces aspartic acid with valine at codon 1337 of the BRCA2 protein (p.Asp1337Val). The aspartic acid residue is weakly conserved and there is a large physicochemical difference between aspartic acid and valine.

NM_000059.4(BRCA2):c.4010A>T (p.Asp1337Val)

Gene: BRCA2 (BRCA2 DNA repair associated; plus strand). Cytogenetic location: 13q13.1.
Variant type: single nucleotide variant.
Coding change: c.4010A>T on transcript NM_000059.4 (MANE Select); coding-DNA position 4010, A replaced by T.
Protein change: p.Asp1337Val; replaces aspartic acid 1337 with valine.
Molecular consequence: missense variant.
Genome position (GRCh38, 1-based): chr13:32,338,365, A>T. VCF-style: chr13-32338365-A-T. GRCh37 (hg19) VCF-style: chr13-32912502-A-T.
Other names: short protein forms D1337V.
Identifiers: ClinVar variation 462319 (VCV000462319.12), dbSNP rs1555283501, ClinGen allele CA387779017.
Genomic context (GRCh38, chr13:32,338,365, plus strand): 5'-CTGAAAATGAAGATAACAAATATACTGCTGCCAGTAGAAATTCTCATAACTTAGAATTTG[A>T]TGGCAGTGATTCAAGTAAAAATGATACTGTTTGTATTCATAAAGATGAAACGGACTTGCT-3'
Protein context (NP_000050.3, residues 1327-1347): ASRNSHNLEF[Asp1337Val]GSDSSKNDTV